The following is an entry in ClinVar:

ClinVar aggregate classification (germline): Uncertain significance (1 of 4 stars; one submission).

Allele frequency attached by ClinVar (database versions not stated): gnomAD exomes below 0.00001; ExAC 0.00001.
gnomAD v4.1: 1 of 1,568,952 alleles (0.000064%); highest among the groups gnomAD compares: Admixed American, 0.0018%; no homozygotes.

Submission:

GeneDx
Classification: Uncertain significance. Last evaluated: 2022-01-12. Review status: criteria provided, single submitter. Criteria: GeneDx Variant Classification Process June 2021. Collection method: clinical testing. Allele origin: germline. Affected: yes.
Comment: In silico analysis supports that this missense variant does not alter protein structure/function; Has not been previously published as pathogenic or benign to our knowledge

NM_016604.4(KDM3B):c.2542A>G (p.Asn848Asp)

Gene: KDM3B (lysine demethylase 3B; plus strand). Cytogenetic location: 5q31.2.
Variant type: single nucleotide variant.
Coding change: c.2542A>G on transcript NM_016604.4 (MANE Select); coding-DNA position 2542, A replaced by G.
Protein change: p.Asn848Asp; replaces asparagine 848 with aspartic acid.
Molecular consequence: missense variant.
Genome position (GRCh38, 1-based): chr5:138,392,174, A>G. VCF-style: chr5-138392174-A-G. GRCh37 (hg19) VCF-style: chr5-137727863-A-G.
Other names: short protein forms N848D.
Identifiers: ClinVar variation 1697046 (VCV001697046.2), dbSNP rs758674221, ClinGen allele CA3429064.
Genomic context (GRCh38, chr5:138,392,174, plus strand): 5'-CTGCAGGCTAAGACAGGCCTGAAGGGAATTCCAGAGCACCTGATGGGGAAGCTGGGCCCC[A>G]ATGGGGAGCGCAGTGCTGAGCTGTTGCTGGGCAAAAGCAAAGGGAAGCAGGCCCCCAAGG-3'
Protein context (NP_057688.3, residues 838-858): PEHLMGKLGP[Asn848Asp]GERSAELLLG